The following is an entry in ClinVar:

NM_014727.3(KMT2B):c.536G>T (p.Arg179Leu)

Gene: KMT2B (lysine methyltransferase 2B; plus strand). Cytogenetic location: 19q13.12.
Variant type: single nucleotide variant.
Coding change: c.536G>T on transcript NM_014727.3 (MANE Select); coding-DNA position 536, G replaced by T.
Protein change: p.Arg179Leu; replaces arginine 179 with leucine.
Molecular consequence: missense variant.
Genome position (GRCh38, 1-based): chr19:35,719,883, G>T. VCF-style: chr19-35719883-G-T. GRCh37 (hg19) VCF-style: chr19-36210785-G-T.
Other names: short protein forms R179L.
Identifiers: ClinVar variation 4720482 (VCV004720482.1).
Genomic context (GRCh38, chr19:35,719,883, plus strand): 5'-CCCCCCTTCCTCCTCCTCGCCTAGCAGATGTGGCTCCTACCCCCCCAAAGACCCCTGCCC[G>T]GAAACGGGGTGAGGAAGGCACAGAACGGATGGTGCAGGCACTGACTGAACTTCTCCGGCG-3'
Protein context (NP_055542.1, residues 169-189): VAPTPPKTPA[Arg179Leu]KRGEEGTERM

ClinVar aggregate classification (germline): Uncertain significance (1 of 4 stars; one submission).

Submission:

Labcorp Genetics (formerly Invitae), Labcorp
Classification: Uncertain significance. Last evaluated: 2025-11-24. Review status: criteria provided, single submitter. Criteria: Invitae Variant Classification Sherloc (09022015). Collection method: clinical testing. Allele origin: germline.
Comment: This sequence change replaces arginine, which is basic and polar, with leucine, which is neutral and non-polar, at codon 179 of the KMT2B protein (p.Arg179Leu). This variant is not present in population databases (gnomAD no frequency). This variant has not been reported in the literature in individuals affected with KMT2B-related conditions. Invitae Evidence Modeling of protein sequence and biophysical properties (such as structural, functional, and spatial information, amino acid conservation, physicochemical variation, residue mobility, and thermodynamic stability) indicates that this missense variant is not expected to disrupt KMT2B protein function with a negative predictive value of 95%. In summary, the available evidence is currently insufficient to determine the role of this variant in disease. Therefore, it has been classified as a Variant of Uncertain Significance.